The following is an entry in ClinVar:

ClinVar aggregate classification (germline): Uncertain significance (1 of 4 stars; one submission).

gnomAD v4.1: 2 of 1,582,420 alleles (0.00013%); highest among the groups gnomAD compares: Non-Finnish European, 0.00017%; no homozygotes.

Submission:

Ambry Genetics
Classification: Uncertain significance. Last evaluated: 2026-03-22. Review status: criteria provided, single submitter. Criteria: Ambry Variant Classification Scheme 2023. Collection method: clinical testing. Allele origin: germline.
Comment: The p.V403I variant (also known as c.1207G>A), located in coding exon 11 of the GEN1 gene, results from a G to A substitution at nucleotide position 1207. The valine at codon 403 is replaced by isoleucine, an amino acid with highly similar properties. This amino acid position is conserved. In addition, this alteration is predicted to be tolerated by in silico analysis. Based on the available evidence, the clinical significance of this variant remains unclear.

NM_001130009.3(GEN1):c.1207G>A (p.Val403Ile)

Gene: GEN1 (GEN1 structure-specific endonuclease; plus strand). Cytogenetic location: 2p24.2.
Variant type: single nucleotide variant.
Coding change: c.1207G>A on transcript NM_001130009.3 (MANE Select); coding-DNA position 1207, G replaced by A.
Protein change: p.Val403Ile; replaces valine 403 with isoleucine.
Molecular consequence: missense variant.
Genome position (GRCh38, 1-based): chr2:17,778,006, G>A. VCF-style: chr2-17778006-G-A. GRCh37 (hg19) VCF-style: chr2-17959273-G-A.
Other names: c.1207G>A, p.Val403Ile (NM_182625.5); short protein forms V403I.
Identifiers: ClinVar variation 4857943 (VCV004857943.1).